The following is an entry in ClinVar:

ClinVar aggregate classification (germline): Uncertain significance (1 of 4 stars; one submission).

Conditions:
Hereditary spastic paraplegia 73. Also called: Spastic paraplegia 73, autosomal dominant. Identifiers: Orphanet 444099, MedGen C5568981, MONDO:0014568, OMIM 616282.

Allele frequency attached by ClinVar (database versions not stated): gnomAD exomes 0.00001.
gnomAD v4.1: 9 of 1,611,604 alleles (0.00056%); highest among the groups gnomAD compares: East Asian, 0.0022%; no homozygotes.

Submission:

Labcorp Genetics (formerly Invitae), Labcorp
Classification: Uncertain significance for Hereditary spastic paraplegia 73. Last evaluated: 2022-11-15. Review status: criteria provided, single submitter. Criteria: Invitae Variant Classification Sherloc (09022015). Collection method: clinical testing. Allele origin: germline.
Comment: In summary, the available evidence is currently insufficient to determine the role of this variant in disease. Therefore, it has been classified as a Variant of Uncertain Significance. Algorithms developed to predict the effect of missense changes on protein structure and function (SIFT, PolyPhen-2, Align-GVGD) all suggest that this variant is likely to be tolerated. This variant has not been reported in the literature in individuals affected with CPT1C-related conditions. This variant is present in population databases (no rsID available, gnomAD 0.0009%). This sequence change replaces tyrosine, which is neutral and polar, with cysteine, which is neutral and slightly polar, at codon 691 of the CPT1C protein (p.Tyr691Cys).

NM_001199753.2(CPT1C):c.2105A>G (p.Tyr702Cys)

Gene: CPT1C (carnitine palmitoyltransferase 1C; plus strand). Cytogenetic location: 19q13.33.
Variant type: single nucleotide variant.
Coding change: c.2105A>G on transcript NM_001199753.2 (MANE Select); coding-DNA position 2105, A replaced by G.
Protein change: p.Tyr702Cys; replaces tyrosine 702 with cysteine.
Molecular consequence: missense variant. On other transcripts: non-coding transcript variant (1).
Genome position (GRCh38, 1-based): chr19:49,712,821, A>G. VCF-style: chr19-49712821-A-G. GRCh37 (hg19) VCF-style: chr19-50216078-A-G.
Other names: c.2072A>G, p.Tyr691Cys (NM_001136052.3, NM_001378485.1); c.2105A>G, p.Tyr702Cys (NM_001199752.3, NM_001378483.1, NM_001378484.1 and 1 more transcripts); c.2171A>G, p.Tyr724Cys (NM_001378482.1); c.1970A>G, p.Tyr657Cys (NM_001378486.1, NM_001378488.1); c.1937A>G, p.Tyr646Cys (NM_001378487.1); short protein forms Y691C, Y646C, Y657C, Y702C, Y724C.
Identifiers: ClinVar variation 2073502 (VCV002073502.4), dbSNP rs1161252718, ClinGen allele CA406910110.